The following is an entry in ClinVar:

NM_032656.4(DHX37):c.3157G>A (p.Asp1053Asn)

Gene: DHX37 (DEAH-box helicase 37; minus strand). Cytogenetic location: 12q24.31.
Variant type: single nucleotide variant.
Coding change: c.3157G>A on transcript NM_032656.4 (MANE Select); coding-DNA position 3157, G replaced by A.
Protein change: p.Asp1053Asn; replaces aspartic acid 1053 with asparagine.
Molecular consequence: missense variant.
Genome position (GRCh38, 1-based): chr12:124,950,208, C>T on the plus strand (G>A on the coding strand, the complement: DHX37 is on the minus strand). VCF-style: chr12-124950208-C-T. GRCh37 (hg19) VCF-style: chr12-125434754-C-T.
Other names: short protein forms D1053N.
Identifiers: ClinVar variation 4686281 (VCV004686281.1).

ClinVar aggregate classification (germline): Uncertain significance (1 of 4 stars; one submission).

gnomAD v4.1: 109 of 1,613,906 alleles (0.0068%); highest among the groups gnomAD compares: Non-Finnish European, 0.0088%; no homozygotes.

Submission:

GeneDx
Classification: Uncertain significance. Last evaluated: 2025-07-16. Review status: criteria provided, single submitter. Criteria: GeneDx Variant Classification Process June 2021. Collection method: clinical testing. Allele origin: germline. Affected: yes.
Comment: In silico analysis supports that this missense variant has a deleterious effect on protein structure/function; Has not been previously published as pathogenic or benign to our knowledge